The following is an entry in ClinVar:

ClinVar aggregate classification (germline): Uncertain significance. Review status: criteria provided, multiple submitters, no conflicts (2 of 4 stars). 2 submissions from 2 submitters: Uncertain significance (2). Last evaluated 2025-04-15.

Conditions:
Inborn genetic diseases. Identifiers: MedGen C0950123, MeSH D030342.
Familial hemophagocytic lymphohistiocytosis 3 (FHL3). Also called: UNC13D-Related Familial Hemophagocytic Lymphohistiocytosis (UNC13D-fHLH). Identifiers: Orphanet 540, MedGen C1837174, MONDO:0012146, OMIM 608898.

Allele frequency attached by ClinVar (database versions not stated): TOPMed below 0.00001; ExAC 0.00001; gnomAD 0.00002.
gnomAD v4.1: 18 of 1,613,788 alleles (0.0011%); highest among the groups gnomAD compares: South Asian, 0.0077%; no homozygotes.

Submissions (2):

Ambry Genetics
Classification: Uncertain significance for Inborn genetic diseases. Last evaluated: 2025-04-15. Review status: criteria provided, single submitter. Criteria: Ambry Variant Classification Scheme 2023. Collection method: clinical testing. Allele origin: germline.

Labcorp Genetics (formerly Invitae), Labcorp
Classification: Uncertain significance for Familial hemophagocytic lymphohistiocytosis 3. Last evaluated: 2022-10-04. Review status: criteria provided, single submitter. Criteria: Invitae Variant Classification Sherloc (09022015). Collection method: clinical testing. Allele origin: germline.
Comment: This sequence change replaces aspartic acid, which is acidic and polar, with asparagine, which is neutral and polar, at codon 501 of the UNC13D protein (p.Asp501Asn). This variant is present in population databases (rs772899988, gnomAD 0.02%). This variant has not been reported in the literature in individuals affected with UNC13D-related conditions. Advanced modeling of protein sequence and biophysical properties (such as structural, functional, and spatial information, amino acid conservation, physicochemical variation, residue mobility, and thermodynamic stability) has been performed at Invitae for this missense variant, however the output from this modeling did not meet the statistical confidence thresholds required to predict the impact of this variant on UNC13D protein function. In summary, the available evidence is currently insufficient to determine the role of this variant in disease. Therefore, it has been classified as a Variant of Uncertain Significance.

NM_199242.3(UNC13D):c.1501G>A (p.Asp501Asn)

Gene: UNC13D (unc-13 homolog D; minus strand). Cytogenetic location: 17q25.1.
Variant type: single nucleotide variant.
Coding change: c.1501G>A on transcript NM_199242.3 (MANE Select); coding-DNA position 1501, G replaced by A.
Protein change: p.Asp501Asn; replaces aspartic acid 501 with asparagine.
Molecular consequence: missense variant.
Genome position (GRCh38, 1-based): chr17:75,836,055, C>T on the plus strand (G>A on the coding strand, the complement: UNC13D is on the minus strand). VCF-style: chr17-75836055-C-T. GRCh37 (hg19) VCF-style: chr17-73832136-C-T.
Other names: short protein forms D501N.
Identifiers: ClinVar variation 1914845 (VCV001914845.3), dbSNP rs772899988, ClinGen allele CA8772954.